The following is an entry in ClinVar:

ClinVar aggregate classification (germline): Uncertain significance (1 of 4 stars; one submission).

gnomAD v4.1: 10 of 1,602,136 alleles (0.00062%); highest among the groups gnomAD compares: Non-Finnish European, 0.00085%; no homozygotes.

Submission:

Labcorp Genetics (formerly Invitae), Labcorp
Classification: Uncertain significance. Last evaluated: 2024-11-18. Review status: criteria provided, single submitter. Criteria: Invitae Variant Classification Sherloc (09022015). Collection method: clinical testing. Allele origin: germline.
Comment: This sequence change replaces arginine, which is basic and polar, with glutamine, which is neutral and polar, at codon 1642 of the CACNA1E protein (p.Arg1642Gln). This variant is not present in population databases (gnomAD no frequency). This variant has not been reported in the literature in individuals affected with CACNA1E-related conditions. Invitae Evidence Modeling of protein sequence and biophysical properties (such as structural, functional, and spatial information, amino acid conservation, physicochemical variation, residue mobility, and thermodynamic stability) has been performed for this missense variant. However, the output from this modeling did not meet the statistical confidence thresholds required to predict the impact of this variant on CACNA1E protein function. In summary, the available evidence is currently insufficient to determine the role of this variant in disease. Therefore, it has been classified as a Variant of Uncertain Significance.

NM_001205293.3(CACNA1E):c.4925G>A (p.Arg1642Gln)

Gene: CACNA1E (calcium voltage-gated channel subunit alpha1 E; plus strand). Cytogenetic location: 1q25.3.
Variant type: single nucleotide variant.
Coding change: c.4925G>A on transcript NM_001205293.3 (MANE Select); coding-DNA position 4925, G replaced by A.
Protein change: p.Arg1642Gln; replaces arginine 1642 with glutamine.
Molecular consequence: missense variant.
Genome position (GRCh38, 1-based): chr1:181,771,336, G>A. VCF-style: chr1-181771336-G-A. GRCh37 (hg19) VCF-style: chr1-181740472-G-A.
Other names: c.4925G>A, p.Arg1642Gln (NM_000721.4); c.4868G>A, p.Arg1623Gln (NM_001205294.2); short protein forms R1623Q, R1642Q.
Identifiers: ClinVar variation 3625330 (VCV003625330.2).